The following is an entry in ClinVar:

ClinVar aggregate classification (germline): Uncertain significance (1 of 4 stars; one submission).

Conditions:
Arginase deficiency. Also called: ARGININEMIA; ARG1 DEFICIENCY; Arginase 1 Deficiency. Identifiers: Orphanet 90, MedGen C0268548, MONDO:0008814, OMIM 207800.

Submission:

Labcorp Genetics (formerly Invitae), Labcorp
Classification: Uncertain significance for Arginase deficiency. Last evaluated: 2022-02-03. Review status: criteria provided, single submitter. Criteria: Invitae Variant Classification Sherloc (09022015). Collection method: clinical testing. Allele origin: germline.
Comment: This sequence change replaces valine, which is neutral and non-polar, with leucine, which is neutral and non-polar, at codon 24 of the ARG1 protein (p.Val24Leu). This variant is not present in population databases (gnomAD no frequency). This variant has not been reported in the literature in individuals affected with ARG1-related conditions. Algorithms developed to predict the effect of missense changes on protein structure and function are either unavailable or do not agree on the potential impact of this missense change (SIFT: "Deleterious"; PolyPhen-2: "Possibly Damaging"; Align-GVGD: "Class C0"). In summary, the available evidence is currently insufficient to determine the role of this variant in disease. Therefore, it has been classified as a Variant of Uncertain Significance.

NM_000045.4(ARG1):c.70G>C (p.Val24Leu)

Genes: ARG1 (arginase 1; plus strand), MED23 (mediator complex subunit 23; minus strand). Cytogenetic location: 6q23.2.
Variant type: single nucleotide variant.
Coding change: c.70G>C on transcript NM_000045.4 (MANE Select); coding-DNA position 70, G replaced by C.
Protein change: p.Val24Leu; replaces valine 24 with leucine.
Molecular consequence: missense variant. On other transcripts: intron variant (2).
Genome position (GRCh38, 1-based): chr6:131,576,675, G>C. VCF-style: chr6-131576675-G-C. GRCh37 (hg19) VCF-style: chr6-131897815-G-C.
Other names: c.70G>C, p.Val24Leu (NM_001244438.2, NM_001369020.1); c.4078-2380C>G (NM_001270521.2); c.4096-2380C>G (NM_015979.4); short protein forms V24L.
Identifiers: ClinVar variation 1409416 (VCV001409416.6), dbSNP rs2114519104, ClinGen allele CA365649692.